The following is an entry in ClinVar:

ClinVar aggregate classification (germline): Likely benign (0 of 4 stars; one submission).

Conditions:
KIF7-related disorder. Also called: KIF7-related condition.

Submission:

PreventionGenetics, part of Exact Sciences
Classification: Likely benign for KIF7-related condition. Last evaluated: 2024-08-28. Review status: no assertion criteria provided. Collection method: clinical testing. Allele origin: germline.
Comment: This variant is classified as likely benign based on ACMG/AMP sequence variant interpretation guidelines (Richards et al. 2015 PMID: 25741868, with internal and published modifications).

NM_198525.3(KIF7):c.1602G>T (p.Leu534=)

Gene: KIF7 (kinesin family member 7; minus strand). Cytogenetic location: 15q26.1.
Variant type: single nucleotide variant.
Coding change: c.1602G>T on transcript NM_198525.3 (MANE Select); coding-DNA position 1602, G replaced by T.
Protein change: p.Leu534=; no amino-acid change (leucine 534 retained).
Molecular consequence: synonymous variant.
Genome position (GRCh38, 1-based): chr15:89,647,016, C>A on the plus strand (G>T on the coding strand, the complement: KIF7 is on the minus strand). VCF-style: chr15-89647016-C-A. GRCh37 (hg19) VCF-style: chr15-90190247-C-A.
Identifiers: ClinVar variation 3346126 (VCV003346126.1).